The following is an entry in ClinVar:

NM_000540.3(RYR1):c.6577C>T (p.Gln2193Ter)

Gene: RYR1 (ryanodine receptor 1; plus strand). Cytogenetic location: 19q13.2.
Variant type: single nucleotide variant.
Coding change: c.6577C>T on transcript NM_000540.3 (MANE Select); coding-DNA position 6577, C replaced by T.
Protein change: p.Gln2193Ter; replaces glutamine 2193 with a stop codon.
Molecular consequence: nonsense.
Genome position (GRCh38, 1-based): chr19:38,496,243, C>T. VCF-style: chr19-38496243-C-T. GRCh37 (hg19) VCF-style: chr19-38986883-C-T.
Other names: c.6577C>T, p.Gln2193Ter (NM_001042723.2); short protein forms Q2193*.
Identifiers: ClinVar variation 1919562 (VCV001919562.5), dbSNP rs2514286346, ClinGen allele CA405665653.

ClinVar aggregate classification (germline): Pathogenic (1 of 4 stars; one submission).

Conditions:
RYR1-related disorder. Also called: RYR1-related condition; RYR1-related disorders. Identifiers: MedGen CN239331.

Submission:

Labcorp Genetics (formerly Invitae), Labcorp
Classification: Pathogenic for RYR1-related disorder. Last evaluated: 2020-12-28. Review status: criteria provided, single submitter. Criteria: Invitae Variant Classification Sherloc (09022015). Collection method: clinical testing. Allele origin: germline.
Comment: For these reasons, this variant has been classified as Pathogenic. This variant has not been reported in the literature in individuals with RYR1-related conditions. This variant is not present in population databases (ExAC no frequency). This sequence change creates a premature translational stop signal (p.Gln2193*) in the RYR1 gene. It is expected to result in an absent or disrupted protein product. Loss-of-function variants in RYR1 are known to be pathogenic (PMID: 20583297, 20839240, 23919265, 28818389).

Literature cited by the submitters: PubMed 20583297; PubMed 20839240; PubMed 23919265; PubMed 28818389.